The following is an entry in ClinVar:

NM_198578.4(LRRK2):c.2117A>T (p.Asp706Val)

Gene: LRRK2 (leucine rich repeat kinase 2; plus strand). Cytogenetic location: 12q12.
Variant type: single nucleotide variant.
Coding change: c.2117A>T on transcript NM_198578.4 (MANE Select); coding-DNA position 2117, A replaced by T.
Protein change: p.Asp706Val; replaces aspartic acid 706 with valine.
Molecular consequence: missense variant.
Genome position (GRCh38, 1-based): chr12:40,278,137, A>T. VCF-style: chr12-40278137-A-T. GRCh37 (hg19) VCF-style: chr12-40671939-A-T.
Other names: short protein forms D706V.
Identifiers: ClinVar variation 1786186 (VCV001786186.3), dbSNP rs1565705582, ClinGen allele CA384405066.
Genomic context (GRCh38, chr12:40,278,137, plus strand): 5'-TCCACTCTTTTTAGTTTCTAAACCTCTGTTGCAAGTGTTTTGCAAAAGTAGCTATGGATG[A>T]TTACTTAAAAAATGTGATGCTAGAGAGAGCGTGTGATCAGAATAACAGCATCATGGTTGA-3'
Protein context (NP_940980.4, residues 696-716): CKCFAKVAMD[Asp706Val]YLKNVMLERA

ClinVar aggregate classification (germline): Uncertain significance (1 of 4 stars; one submission).

Conditions:
Inborn genetic diseases. Identifiers: MedGen C0950123, MeSH D030342.

Allele frequency attached by ClinVar (database versions not stated): gnomAD exomes 0.00001.
gnomAD v4.1: 6 of 1,614,116 alleles (0.00037%); highest among the groups gnomAD compares: Non-Finnish European, 0.00042%; no homozygotes.

Submission:

Ambry Genetics
Classification: Uncertain significance for Inborn genetic diseases. Last evaluated: 2024-11-15. Review status: criteria provided, single submitter. Criteria: Ambry Variant Classification Scheme 2023. Collection method: clinical testing. Allele origin: germline.
Comment: The p.D706V variant (also known as c.2117A>T), located in coding exon 18 of the LRRK2 gene, results from an A to T substitution at nucleotide position 2117. The aspartic acid at codon 706 is replaced by valine, an amino acid with highly dissimilar properties. This amino acid position is conserved. In addition, the in silico prediction for this alteration is inconclusive. Since supporting evidence is limited at this time, the clinical significance of this alteration remains unclear.